The following is an entry in ClinVar:

NM_007272.3(CTRC):c.92T>G (p.Val31Gly)

Gene: CTRC (chymotrypsin C; plus strand). Cytogenetic location: 1p36.21.
Variant type: single nucleotide variant.
Coding change: c.92T>G on transcript NM_007272.3 (MANE Select); coding-DNA position 92, T replaced by G.
Protein change: p.Val31Gly; replaces valine 31 with glycine.
Molecular consequence: missense variant.
Genome position (GRCh38, 1-based): chr1:15,440,351, T>G. VCF-style: chr1-15440351-T-G. GRCh37 (hg19) VCF-style: chr1-15766847-T-G.
Other names: short protein forms V31G.
Identifiers: ClinVar variation 4869536 (VCV004869536.1).
Genomic context (GRCh38, chr1:15,440,351, plus strand): 5'-TCTCCCCAGCCTCCAGCTGTGGGGTGCCCAGCTTCCCGCCCAACCTATCCGCCCGAGTGG[T>G]GGGAGGAGAGGATGCCCGGCCCCACAGCTGGCCCTGGCAGGTAAGCCTGTGTAGGGCTGG-3'
Protein context (NP_009203.2, residues 21-41): SFPPNLSARV[Val31Gly]GGEDARPHSW

ClinVar aggregate classification (germline): Uncertain significance (1 of 4 stars; one submission).

Conditions:
Hereditary pancreatitis (PCTT). Also called: Hereditary chronic pancreatitis; PRSS1-Related Hereditary Pancreatitis. Identifiers: Orphanet 676, MedGen C0238339, MONDO:0008185, OMIM 167800.

gnomAD v4.1: 2 of 1,610,822 alleles (0.00012%); highest among the groups gnomAD compares: East Asian, 0.0045%; no homozygotes.

Submission:

Ambry Genetics
Classification: Uncertain significance for Hereditary pancreatitis. Last evaluated: 2026-05-26. Review status: criteria provided, single submitter. Criteria: Ambry Variant Classification Scheme 2023. Collection method: clinical testing. Allele origin: germline.
Comment: The p.V31G variant (also known as c.92T>G), located in coding exon 2 of the CTRC gene, results from a T to G substitution at nucleotide position 92. The valine at codon 31 is replaced by glycine, an amino acid with dissimilar properties. This amino acid position is conserved. In addition, this alteration is predicted to be deleterious by in silico analysis. Based on the available evidence, the clinical significance of this variant remains unclear.